The following is an entry in ClinVar:

ClinVar aggregate classification (germline): Conflicting classifications of pathogenicity. Review status: criteria provided, conflicting classifications (1 of 4 stars). 3 submissions from 3 submitters: Uncertain significance (2); Likely benign (1). Last evaluated 2026-07-07.

Conditions:
Hereditary cancer-predisposing syndrome. Also called: Hereditary Cancer Syndrome; Tumor predisposition; Neoplastic Syndromes, Hereditary; Hereditary neoplastic syndrome. Identifiers: Orphanet 140162, MedGen C0027672, MeSH D009386, MONDO:0015356.
Hereditary breast ovarian cancer syndrome. Also called: Hereditary breast and ovarian cancer; Hereditary breast and/or ovarian cancer syndrome; Breast and ovarian cancer; Hereditary breast and ovarian cancer syndrome; Hereditary breast and ovarian cancer syndrome (HBOC); BRCA1- and BRCA2-Associated Hereditary Breast and Ovarian Cancer. Identifiers: Orphanet 145, MedGen C0677776, MeSH D061325, MONDO:0003582. Disease mechanism: loss of function.

Submissions (3):

Ambry Genetics
Classification: Uncertain significance for Hereditary cancer-predisposing syndrome. Last evaluated: 2026-07-07. Review status: criteria provided, single submitter. Criteria: Ambry Variant Classification Scheme 2023. Collection method: clinical testing. Allele origin: germline.
Comment: The p.K995T variant (also known as c.2984A>C), located in coding exon 9 of the BRCA1 gene, results from an A to C substitution at nucleotide position 2984. The lysine at codon 995 is replaced by threonine, an amino acid with similar properties. This amino acid position is conserved. In addition, this alteration is predicted to be tolerated by in silico analysis. Based on the available evidence, the clinical significance of this variant remains unclear.

University of Washington Department of Laboratory Medicine, University of Washington
Classification: Likely benign for Hereditary cancer-predisposing syndrome. Last evaluated: 2023-03-23. Review status: criteria provided, single submitter. Criteria: Dines et al. (Genet Med. 2020). Collection method: curation. Allele origin: germline.
Comment: Missense variant in a coldspot region where missense variants are very unlikely to be pathogenic (PMID:31911673).

BRCA1 coldspot (exon 11 using historical exon numbering). Reclassification based on statistical prior probability

Labcorp Genetics (formerly Invitae), Labcorp
Classification: Uncertain significance for Hereditary breast ovarian cancer syndrome. Last evaluated: 2021-08-30. Review status: criteria provided, single submitter. Criteria: Invitae Variant Classification Sherloc (09022015). Collection method: clinical testing. Allele origin: germline.
Comment: This sequence change replaces lysine with threonine at codon 995 of the BRCA1 protein (p.Lys995Thr). The lysine residue is weakly conserved and there is a moderate physicochemical difference between lysine and threonine. This variant is not present in population databases (ExAC no frequency). This variant has not been reported in the literature in individuals affected with BRCA1-related conditions. Advanced modeling of protein sequence and biophysical properties (such as structural, functional, and spatial information, amino acid conservation, physicochemical variation, residue mobility, and thermodynamic stability) performed at Invitae indicates that this missense variant is not expected to disrupt BRCA1 protein function. In summary, the available evidence is currently insufficient to determine the role of this variant in disease. Therefore, it has been classified as a Variant of Uncertain Significance.

NM_007294.4(BRCA1):c.2984A>C (p.Lys995Thr)

Gene: BRCA1 (BRCA1 DNA repair associated; minus strand). Cytogenetic location: 17q21.31.
Variant type: single nucleotide variant.
Coding change: c.2984A>C on transcript NM_007294.4 (MANE Select); coding-DNA position 2984, A replaced by C.
Protein change: p.Lys995Thr; replaces lysine 995 with threonine.
Molecular consequence: missense variant. On other transcripts: intron variant (137).
Genome position (GRCh38, 1-based): chr17:43,092,547, T>G on the plus strand (A>C on the coding strand, the complement: BRCA1 is on the minus strand). VCF-style: chr17-43092547-T-G. GRCh37 (hg19) VCF-style: chr17-41244564-T-G.
Other names: c.671-1515A>C (NM_001408418.1, NM_001408423.1, NM_001408420.1 and 2 more transcripts); c.788-1515A>C (NM_001407981.1, NM_007298.4, NM_001407978.1 and 17 more transcripts); c.644-1515A>C (NM_001408462.1, NM_001408470.1, NM_001408464.1 and 3 more transcripts); c.710-1515A>C (NM_001408414.1, NM_001408411.1, NM_001408415.1 and 2 more transcripts); c.578-1515A>C (NM_001408514.1, NM_001408485.1, NM_001408483.1 and 9 more transcripts); c.662-1515A>C (NM_001408447.1, NM_001408433.1, NM_001408446.1 and 6 more transcripts); c.785-1515A>C (NM_001408400.1, NM_001408392.1, NM_001407986.1 and 13 more transcripts); c.665-1515A>C (NM_001408441.1, NM_001408437.1, NM_001408429.1 and 12 more transcripts); and 41 more; short protein forms K948T, K995T, K699T, K868T, K884T, K867T, K883T, K906T.
Identifiers: ClinVar variation 1464395 (VCV001464395.10), dbSNP rs1567793358, ClinGen allele CA10596031.